The following is an entry in ClinVar:

ClinVar aggregate classification (germline): Uncertain significance (1 of 4 stars; one submission).

Conditions:
Mitochondrial complex I deficiency, nuclear type 4. Also called: Mitochondrial complex 1 deficiency, nuclear type 4. Identifiers: MedGen C4748753, MONDO:0032609, OMIM 618225.

Submission:

Laboratorio de Genetica e Diagnostico Molecular, Hospital Israelita Albert Einstein
Classification: Uncertain significance for Mitochondrial complex I deficiency, nuclear type 4. Last evaluated: 2023-02-17. Review status: criteria provided, single submitter. Criteria: ACMG Guidelines, 2015. Collection method: clinical testing. Allele origin: germline. Affected: yes.
Comment: ACMG classification criteria: PM2 moderate, PP3 supporting

NM_007103.4(NDUFV1):c.1295C>T (p.Ala432Val)

Genes: NDUFV1 (NADH:ubiquinone oxidoreductase core subunit V1; plus strand), LOC126861242 (CDK7 strongly-dependent group 2 enhancer GRCh37_chr11:67379204-67380403; plus strand). Cytogenetic location: 11q13.2.
Variant type: single nucleotide variant.
Coding change: c.1295C>T on transcript NM_007103.4 (MANE Select); coding-DNA position 1295, C replaced by T.
Protein change: p.Ala432Val; replaces alanine 432 with valine.
Molecular consequence: missense variant.
Genome position (GRCh38, 1-based): chr11:67,612,252, C>T. VCF-style: chr11-67612252-C-T. GRCh37 (hg19) VCF-style: chr11-67379723-C-T.
Other names: c.1268C>T, p.Ala423Val (NM_001166102.2); short protein forms A423V, A432V.
Identifiers: ClinVar variation 4056646 (VCV004056646.2).